The following is an entry in ClinVar:

NM_001267550.2(TTN):c.51120_51123del (p.Ile17040fs)

Genes: TTN-AS1 (TTN antisense RNA 1; plus strand), TTN (titin; minus strand). Cytogenetic location: 2q31.2.
Variant type: Microsatellite.
Coding change: c.51120_51123del on transcript NM_001267550.2 (MANE Select); coding-DNA positions 51120 to 51123, 4 bases deleted (CAAT; older notation c.51120_51123delCAAT).
Protein change: p.Ile17040fs; shifts the reading frame from isoleucine 17040.
Molecular consequence: frameshift variant.
Genome position (GRCh38, 1-based): chr2:178,611,006-178,611,009, ATTG deleted on the plus strand (CAAT on the coding strand, the reverse complement: TTN is on the minus strand); deleting any 4 consecutive bases within chr2:178,611,006-178,611,014 gives the same sequence; the c. name uses the placement nearest the transcript's 3' end. VCF-style (leftmost placement, unchanged base first): chr2-178611005-CATTG-C. GRCh37 (hg19) VCF-style: chr2-179475732-CATTG-C.
Other names: c.46197_46200del, p.Ile15399fs (NM_001256850.1); c.23925_23928del, p.Ile7975fs (NM_003319.4); c.43416_43419del, p.Ile14472fs (NM_133378.4); c.24300_24303del, p.Ile8100fs (NM_133432.3); c.24501_24504del, p.Ile8167fs (NM_133437.4); short protein forms I14472fs, I7975fs, I8100fs, I15399fs, I8167fs, I17040fs.
Identifiers: ClinVar variation 4784489 (VCV004784489.1).
Genomic context (GRCh38, chr2:178,611,005, plus strand): 5'-TTCCTCTACATGTGAAGAATGTCTGGTTTTTCTTCAAAGAATGATTACCTATGACTTTGA[CATTG>C]ATTGAGGCTGTTGCTGAGCCGAGCTTATTCTCCAGTGTAATGGTATAAATTCCGGCATCT-3'

ClinVar aggregate classification (germline): Likely pathogenic (1 of 4 stars; one submission).

Conditions:
Dilated cardiomyopathy 1G (CMD1G). Identifiers: Orphanet 154, MedGen C1858763, MONDO:0011400, OMIM 604145.
Autosomal recessive limb-girdle muscular dystrophy type 2J (LGMDR10). Also called: Limb-girdle muscular dystrophy, type 2J; MUSCULAR DYSTROPHY, LIMB-GIRDLE, AUTOSOMAL RECESSIVE 10. Identifiers: Orphanet 140922, MedGen C1837342, MONDO:0012127, OMIM 608807.

Submission:

Labcorp Genetics (formerly Invitae), Labcorp
Classification: Likely pathogenic for Dilated cardiomyopathy 1G; Autosomal recessive limb-girdle muscular dystrophy type 2J. Last evaluated: 2025-03-20. Review status: criteria provided, single submitter. Criteria: Invitae Variant Classification Sherloc (09022015). Collection method: clinical testing. Allele origin: germline.
Comment: This sequence change creates a premature translational stop signal (p.Ile17040Metfs*5) in the TTN gene. While this is not anticipated to result in nonsense mediated decay, it is expected to create a truncated TTN protein. This variant is not present in population databases (gnomAD no frequency). This variant has not been reported in the literature in individuals affected with TTN-related conditions. This variant is located in the A band of TTN (PMID: 25589632). Truncating variants in this region are significantly overrepresented in patients affected with dilated cardiomyopathy (PMID: 25589632). Truncating variants in this region have also been reported in individuals affected with autosomal recessive centronuclear myopathy (PMID: 23975875). In summary, the currently available evidence indicates that the variant is pathogenic, but additional data are needed to prove that conclusively. Therefore, this variant has been classified as Likely Pathogenic.

Literature cited by the submitters: PubMed 25589632; PubMed 23975875.